The following is an entry in ClinVar:

ClinVar aggregate classification (germline): Pathogenic (1 of 4 stars; one submission).

Conditions:
Brain small vessel disease 1 with or without ocular anomalies (BSVD1). Also called: Brain small vessel disease with or without ocular anomalies; GOULD SYNDROME 1; BRAIN SMALL VESSEL DISEASE WITH HEMORRHAGE; PORENCEPHALY, TYPE 1, AUTOSOMAL DOMINANT. Identifiers: Orphanet 2940, Orphanet 36383, Orphanet 99810, MedGen C4755307, MONDO:0008289, OMIM 175780.

Submission:

Women's Health and Genetics/Laboratory Corporation of America, LabCorp
Classification: Pathogenic for Brain small vessel disease 1 with or without ocular anomalies. Last evaluated: 2023-12-15. Review status: criteria provided, single submitter. Criteria: LabCorp Variant Classification Summary - May 2015. Collection method: clinical testing. Allele origin: germline.
Comment: Variant summary: COL4A1 c.2870G>C (p.Gly957Ala) results in a non-conservative amino acid change of a position 1 glycine in a Gly-X-Y motif in the collagen triple helix repeat (IPR008160) of the encoded protein sequence. Alterations of these critical position-1 glycine residues within the collagen triple-helix are common mechanisms of disease. Five of five in-silico tools predict a damaging effect of the variant on protein function. In addition, this variant disrupts the first nucleotide of exon 35 and therefore can affect splicing. Several computational tools predict a significant impact on normal splicing: one predicts the variant abolishes a 3' acceptor site and two predict the variant weakens the same 3' acceptor site. However, these predictions have yet to be confirmed by functional studies. The variant was absent in 1461810 control chromosomes (gnomAD v4). c.2870G>C has been observed in our lab as a de novo occurrence in at least one individual affected with Porencephaly. These data suggest the variant is likely to be associated with disease. To our knowledge, no experimental evidence demonstrating an impact on protein function has been reported. No submitters have reported clinical-significance assessments for this variant to ClinVar after 2014. Based on the evidence outlined above, the variant was classified as pathogenic.

NM_001845.6(COL4A1):c.2870G>C (p.Gly957Ala)

Gene: COL4A1 (collagen type IV alpha 1 chain; minus strand). Cytogenetic location: 13q34.
Variant type: single nucleotide variant.
Coding change: c.2870G>C on transcript NM_001845.6 (MANE Select); coding-DNA position 2870, G replaced by C.
Protein change: p.Gly957Ala; replaces glycine 957 with alanine.
Molecular consequence: missense variant.
Genome position (GRCh38, 1-based): chr13:110,176,724, C>G on the plus strand (G>C on the coding strand, the complement: COL4A1 is on the minus strand). VCF-style: chr13-110176724-C-G. GRCh37 (hg19) VCF-style: chr13-110829071-C-G.
Other names: short protein forms G957A.
Identifiers: ClinVar variation 2691279 (VCV002691279.1), dbSNP rs2139162781, ClinGen allele CA388666507.